The following is an entry in ClinVar:

NM_213622.4(STAMBP):c.532C>T (p.Arg178Ter)

Gene: STAMBP (STAM binding protein; plus strand). Cytogenetic location: 2p13.1.
Variant type: single nucleotide variant.
Coding change: c.532C>T on transcript NM_213622.4 (MANE Select); coding-DNA position 532, C replaced by T.
Protein change: p.Arg178Ter; replaces arginine 178 with a stop codon.
Molecular consequence: nonsense. On other transcripts: non-coding transcript variant (4).
Genome position (GRCh38, 1-based): chr2:73,847,543, C>T. VCF-style: chr2-73847543-C-T. GRCh37 (hg19) VCF-style: chr2-74074670-C-T.
Other names: c.532C>T, p.Arg178Ter (NM_001353967.2, NM_001353968.2, NM_001353969.2 and 3 more transcripts); c.127C>T, p.Arg43Ter (NM_001353971.2, NM_001353972.2, NM_001353973.2 and 3 more transcripts); short protein forms R178*, R43*.
Identifiers: ClinVar variation 50792 (VCV000050792.6), dbSNP rs397509388, ClinGen allele CA263224.

ClinVar aggregate classification (germline): Pathogenic/Likely pathogenic. Review status: criteria provided, multiple submitters, no conflicts (2 of 4 stars). 3 submissions from 3 submitters: Pathogenic (1); Likely pathogenic (1). 1 of the submissions does not count toward it. Last evaluated 2023-06-15.

Conditions:
Microcephaly-capillary malformation syndrome (MICCAP). Identifiers: Orphanet 294016, MedGen C3280296, MONDO:0013659, OMIM 614261.

Allele frequency attached by ClinVar (database versions not stated): ExAC 0.00001; gnomAD 0.00001 and 0.00002; gnomAD exomes 0.00001; TOPMed 0.00001; 1000 Genomes Project 30x 0.00016; 1000 Genomes Project 0.00020.
gnomAD v4.1: 17 of 1,614,124 alleles (0.0011%); highest among the groups gnomAD compares: Admixed American, 0.0017%; no homozygotes.

Submissions (3):

Labcorp Genetics (formerly Invitae), Labcorp
Classification: Pathogenic. Last evaluated: 2023-06-15. Review status: criteria provided, single submitter. Criteria: Invitae Variant Classification Sherloc (09022015). Collection method: clinical testing. Allele origin: germline.
Comment: For these reasons, this variant has been classified as Pathogenic. ClinVar contains an entry for this variant (Variation ID: 50792). This premature translational stop signal has been observed in individual(s) with microcephaly-capillary malformation syndrome (PMID: 23542699). This variant is present in population databases (rs397509388, gnomAD 0.007%). This sequence change creates a premature translational stop signal (p.Arg178*) in the STAMBP gene. It is expected to result in an absent or disrupted protein product. Loss-of-function variants in STAMBP are known to be pathogenic (PMID: 23542699).

GeneDx
Classification: Likely pathogenic. Last evaluated: 2023-01-12. Review status: criteria provided, single submitter. Criteria: GeneDx Variant Classification Process June 2021. Collection method: clinical testing. Allele origin: germline. Affected: yes.
Comment: Reported in trans with a second STAMBP variant in siblings with microcephaly-capillary malformation syndrome in published literature (McDonell et al., 2013).; Nonsense variant predicted to result in protein truncation or nonsense mediated decay in a gene for which loss of function is a known mechanism of disease; Not observed at significant frequency in large population cohorts (gnomAD); This variant is associated with the following publications: (PMID: 23542699)

OMIM
Classification: Pathogenic for MICROCEPHALY-CAPILLARY MALFORMATION SYNDROME. Last evaluated: 2013-05-01. Review status: no assertion criteria provided. Collection method: literature only. Allele origin: germline. Not counted in ClinVar's aggregate classification.

Literature cited by the submitters: PubMed 23542699 (cited by Labcorp Genetics (formerly Invitae), Labcorp and OMIM).